The following is an entry in ClinVar:

NM_001130144.3(LTBP3):c.3793G>C (p.Gly1265Arg)

Gene: LTBP3 (latent transforming growth factor beta binding protein 3; minus strand). Cytogenetic location: 11q13.1.
Variant type: single nucleotide variant.
Coding change: c.3793G>C on transcript NM_001130144.3 (MANE Select); coding-DNA position 3793, G replaced by C.
Protein change: p.Gly1265Arg; replaces glycine 1265 with arginine.
Molecular consequence: missense variant.
Genome position (GRCh38, 1-based): chr11:65,539,199, C>G on the plus strand (G>C on the coding strand, the complement: LTBP3 is on the minus strand). VCF-style: chr11-65539199-C-G. GRCh37 (hg19) VCF-style: chr11-65306670-C-G.
Other names: c.3301G>C, p.Gly1101Arg (NM_001164266.1); c.3652G>C, p.Gly1218Arg (NM_021070.4); short protein forms G1101R, G1218R, G1265R.
Identifiers: ClinVar variation 1717074 (VCV001717074.6), dbSNP rs1282661019, ClinGen allele CA381266004.

ClinVar aggregate classification (germline): Uncertain significance (1 of 4 stars; one submission).

Conditions:
Brachyolmia-amelogenesis imperfecta syndrome. Also called: Tooth agenesis, selective, 6; Dental anomalies and short stature; PLATYSPONDYLY WITH AMELOGENESIS IMPERFECTA. Identifiers: Orphanet 2899, MedGen C1832594, MONDO:0011018, OMIM 601216. Disease mechanism: loss of function.

Submission:

Labcorp Genetics (formerly Invitae), Labcorp
Classification: Uncertain significance for Brachyolmia-amelogenesis imperfecta syndrome. Last evaluated: 2022-09-20. Review status: criteria provided, single submitter. Criteria: Invitae Variant Classification Sherloc (09022015). Collection method: clinical testing. Allele origin: germline.
Comment: In summary, the available evidence is currently insufficient to determine the role of this variant in disease. Therefore, it has been classified as a Variant of Uncertain Significance. Algorithms developed to predict the effect of missense changes on protein structure and function (SIFT, PolyPhen-2, Align-GVGD) all suggest that this variant is likely to be disruptive. This variant has not been reported in the literature in individuals affected with LTBP3-related conditions. This variant is not present in population databases (gnomAD no frequency). This sequence change replaces glycine, which is neutral and non-polar, with arginine, which is basic and polar, at codon 1265 of the LTBP3 protein (p.Gly1265Arg).